The following is an entry in ClinVar:

ClinVar aggregate classification (germline): other (0 of 4 stars; one submission).

Conditions:
Familial colorectal cancer. Identifiers: MedGen CN280943, MONDO:0023113. Disease mechanism: loss of function.

Submission:

Systems Biology Platform Zhejiang California International NanoSystems Institute
Classification: other for Familial colorectal cancer. Review status: no assertion criteria provided. Collection method: not provided. Allele origin: unknown.
ClinVar note: Converted during submission from cancer to other.

NM_000038.6(APC):c.1744-1839C>A

Gene: APC (APC regulator of WNT signaling pathway; plus strand). Cytogenetic location: 5q22.2.
Variant type: single nucleotide variant.
Coding change: c.1744-1839C>A on transcript NM_000038.6 (MANE Select); 1839 bases into the intron before coding-DNA position 1744, C replaced by A.
Molecular consequence: intron variant.
Genome position (GRCh38, 1-based): chr5:112,833,112, C>A. VCF-style: chr5-112833112-C-A. GRCh37 (hg19) VCF-style: chr5-112168809-C-A.
Other names: c.1744-1839C>A (NM_001354895.2, NM_001127510.3); c.1774-1839C>A (NM_001354897.2); c.1471-1839C>A (NM_001354902.2); c.1690-1839C>A (NM_001127511.3); c.1669-1839C>A (NM_001354898.2); c.1366-1839C>A (NM_001354904.2); c.895-1839C>A (NM_001354906.2); c.1798-1839C>A (NM_001354896.2); and 5 more.
Identifiers: ClinVar variation 83194 (VCV000083194.2), dbSNP rs79274032, ClinGen allele CA005766.